The following is an entry in ClinVar:

NM_020297.4(ABCC9):c.4044T>A (p.Thr1348=)

Genes: ABCC9 (ATP binding cassette subfamily C member 9; minus strand), KCNJ8-AS1 (KCNJ8 antisense RNA 1; plus strand). Cytogenetic location: 12p12.1.
Variant type: single nucleotide variant.
Coding change: c.4044T>A on transcript NM_020297.4 (MANE Select); coding-DNA position 4044, T replaced by A.
Protein change: p.Thr1348=; no amino-acid change (threonine 1348 retained).
Molecular consequence: synonymous variant.
Genome position (GRCh38, 1-based): chr12:21,814,702, A>T on the plus strand (T>A on the coding strand, the complement: ABCC9 is on the minus strand). VCF-style: chr12-21814702-A-T. GRCh37 (hg19) VCF-style: chr12-21967636-A-T.
Other names: c.4044T>A, p.Thr1348= (NM_001377273.1, NM_005691.4); c.3177T>A, p.Thr1059= (NM_001377274.1).
Identifiers: ClinVar variation 2125445 (VCV002125445.5), dbSNP rs756856961, ClinGen allele CA478870322.

ClinVar aggregate classification (germline): Conflicting classifications of pathogenicity. Review status: criteria provided, conflicting classifications (1 of 4 stars). 2 submissions from 2 submitters: Uncertain significance (1); Likely benign (1). Last evaluated 2025-04-02.

Conditions:
Cardiovascular phenotype. Identifiers: MedGen CN230736.
Dilated cardiomyopathy 1O (CMD1O). Also called: CARDIOMYOPATHY, DILATED, WITH VENTRICULAR TACHYCARDIA. Identifiers: Orphanet 154, MedGen C1837839, MONDO:0012062, OMIM 608569.

gnomAD v4.1: 2 of 1,614,046 alleles (0.00012%); highest among the groups gnomAD compares: Non-Finnish European, 0.00017%; no homozygotes.

Submissions (2):

Ambry Genetics
Classification: Uncertain significance for Cardiovascular phenotype. Last evaluated: 2025-04-02. Review status: criteria provided, single submitter. Criteria: Ambry Variant Classification Scheme 2023. Collection method: clinical testing. Allele origin: germline.
Comment: The c.4044T>A variant (also known as p.T1348T), located in coding exon 33 of the ABCC9 gene, results from a T to A substitution at nucleotide position 4044. This nucleotide substitution does not change the threonine at codon 1348. This nucleotide position is not well conserved in available vertebrate species. In silico splice site analysis for this alteration is inconclusive. Based on the available evidence, the clinical significance of this variant remains unclear.

Labcorp Genetics (formerly Invitae), Labcorp
Classification: Likely benign for Dilated cardiomyopathy 1O. Last evaluated: 2022-09-27. Review status: criteria provided, single submitter. Criteria: Invitae Variant Classification Sherloc (09022015). Collection method: clinical testing. Allele origin: germline.